The following is an entry in ClinVar:

ClinVar aggregate classification (germline): Uncertain significance (1 of 4 stars; one submission).

Conditions:
Inborn genetic diseases. Identifiers: MedGen C0950123, MeSH D030342.

Allele frequency attached by ClinVar (database versions not stated): ExAC 0.00001; gnomAD exomes 0.00001.
gnomAD v4.1: 3 of 1,612,648 alleles (0.00019%); highest among the groups gnomAD compares: Non-Finnish European, 0.00025%; no homozygotes.

Submission:

Ambry Genetics
Classification: Uncertain significance for Inborn genetic diseases. Last evaluated: 2024-03-09. Review status: criteria provided, single submitter. Criteria: Ambry Variant Classification Scheme 2023. Collection method: clinical testing. Allele origin: germline.
Comment: The p.T1912A variant (also known as c.5734A>G), located in coding exon 39 of the LRRK2 gene, results from an A to G substitution at nucleotide position 5734. The threonine at codon 1912 is replaced by alanine, an amino acid with similar properties. This amino acid position is conserved. In addition, this alteration is predicted to be tolerated by in silico analysis. Based on the available evidence, the clinical significance of this alteration remains unclear.

NM_198578.4(LRRK2):c.5734A>G (p.Thr1912Ala)

Gene: LRRK2 (leucine rich repeat kinase 2; plus strand). Cytogenetic location: 12q12.
Variant type: single nucleotide variant.
Coding change: c.5734A>G on transcript NM_198578.4 (MANE Select); coding-DNA position 5734, A replaced by G.
Protein change: p.Thr1912Ala; replaces threonine 1912 with alanine.
Molecular consequence: missense variant.
Genome position (GRCh38, 1-based): chr12:40,328,437, A>G. VCF-style: chr12-40328437-A-G. GRCh37 (hg19) VCF-style: chr12-40722239-A-G.
Other names: short protein forms T1912A.
Identifiers: ClinVar variation 3229709 (VCV003229709.1), dbSNP rs759005833, ClinGen allele CA6514525.
Genomic context (GRCh38, chr12:40,328,437, plus strand): 5'-TCAGTTTACCGAGCAGCCTATGAAGGAGAAGAAGTGGCTGTGAAGATTTTTAATAAACAT[A>G]CATCACTCAGGCTGTTAAGACAAGTAAGAAATTCAATAATATAATTATATTAAATTGCAC-3'
Protein context (NP_940980.4, residues 1902-1922): EVAVKIFNKH[Thr1912Ala]SLRLLRQELV